The following is an entry in ClinVar:

NM_006206.6(PDGFRA):c.310C>A (p.His104Asn)

Gene: PDGFRA (platelet derived growth factor receptor alpha; plus strand). Cytogenetic location: 4q12.
Variant type: single nucleotide variant.
Coding change: c.310C>A on transcript NM_006206.6 (MANE Select); coding-DNA position 310, C replaced by A.
Protein change: p.His104Asn; replaces histidine 104 with asparagine.
Molecular consequence: missense variant.
Genome position (GRCh38, 1-based): chr4:54,261,355, C>A. VCF-style: chr4-54261355-C-A. GRCh37 (hg19) VCF-style: chr4-55127522-C-A.
Other names: c.310C>A, p.His104Asn (NM_001347827.2, NM_001347829.2); c.385C>A, p.His129Asn (NM_001347828.2); c.349C>A, p.His117Asn (NM_001347830.2); short protein forms H104N, H117N, H129N.
Identifiers: ClinVar variation 3416414 (VCV003416414.1).

ClinVar aggregate classification (germline): Uncertain significance (1 of 4 stars; one submission).

Conditions:
Hereditary cancer-predisposing syndrome. Also called: Neoplastic Syndromes, Hereditary; Tumor predisposition; Hereditary Cancer Syndrome; Hereditary neoplastic syndrome. Identifiers: Orphanet 140162, MedGen C0027672, MeSH D009386, MONDO:0015356.

gnomAD v4.1: 1 of 1,614,084 alleles (0.000062%); no homozygotes.

Submission:

Ambry Genetics
Classification: Uncertain significance for Hereditary cancer-predisposing syndrome. Last evaluated: 2024-08-28. Review status: criteria provided, single submitter. Criteria: Ambry Variant Classification Scheme 2023. Collection method: clinical testing. Allele origin: germline.
Comment: The p.H104N variant (also known as c.310C>A), located in coding exon 2 of the PDGFRA gene, results from a C to A substitution at nucleotide position 310. The histidine at codon 104 is replaced by asparagine, an amino acid with similar properties. This amino acid position is conserved. In addition, this alteration is predicted to be tolerated by in silico analysis. Based on the available evidence, the clinical significance of this variant remains unclear.